The following is an entry in ClinVar:

NM_001370259.2(MEN1):c.577del (p.Thr193fs)

Gene: MEN1 (menin 1; minus strand). Cytogenetic location: 11q13.1.
Variant type: Deletion.
Coding change: c.577del on transcript NM_001370259.2 (MANE Select); coding-DNA position 577, one base deleted (A; older notation c.577delA).
Protein change: p.Thr193fs; shifts the reading frame from threonine 193.
Molecular consequence: frameshift variant. On other transcripts: intron variant (2).
Genome position (GRCh38, 1-based): chr11:64,807,968, T deleted on the plus strand (A on the coding strand, the reverse complement: MEN1 is on the minus strand). VCF-style (leftmost placement, unchanged base first): chr11-64807967-GT-G. GRCh37 (hg19) VCF-style: chr11-64575439-GT-G.
Other names: c.592del, p.Thr198fs (NM_000244.4, NM_130800.3, NM_130801.3 and 3 more transcripts); c.577del, p.Thr193fs (NM_001370251.2, NM_001370260.2, NM_001370261.2 and 1 more transcripts); c.549+28del (NM_001370263.2, NM_001370262.2); c.577delA (NM_130799.2); short protein forms T193fs, T198fs.
Identifiers: ClinVar variation 825965 (VCV000825965.5), dbSNP rs1592650986, ClinGen allele CA915948187.

ClinVar aggregate classification (germline): Pathogenic (1 of 4 stars; one submission).

Conditions:
Hereditary cancer-predisposing syndrome. Also called: Neoplastic Syndromes, Hereditary; Tumor predisposition; Hereditary neoplastic syndrome; Hereditary Cancer Syndrome. Identifiers: Orphanet 140162, MedGen C0027672, MeSH D009386, MONDO:0015356.

Submission:

Ambry Genetics
Classification: Pathogenic for Hereditary cancer-predisposing syndrome. Last evaluated: 2018-09-07. Review status: criteria provided, single submitter. Criteria: Ambry Variant Classification Scheme 2023. Collection method: clinical testing. Allele origin: germline.
Comment: The c.577delA pathogenic mutation, located in coding exon 2 of the MEN1 gene, results from a deletion of one nucleotide at nucleotide position 577, causing a translational frameshift with a predicted alternate stop codon (p.T193Qfs*31). This alteration is expected to result in loss of function by premature protein truncation or nonsense-mediated mRNA decay. As such, this alteration is interpreted as a disease-causing mutation.